The following is an entry in ClinVar:

NM_002778.4(PSAP):c.902C>T (p.Pro301Leu)

Gene: PSAP (prosaposin; minus strand). Cytogenetic location: 10q22.1.
Variant type: single nucleotide variant.
Coding change: c.902C>T on transcript NM_002778.4 (MANE Select); coding-DNA position 902, C replaced by T.
Protein change: p.Pro301Leu; replaces proline 301 with leucine.
Molecular consequence: missense variant.
Genome position (GRCh38, 1-based): chr10:71,821,883, G>A on the plus strand (C>T on the coding strand, the complement: PSAP is on the minus strand). VCF-style: chr10-71821883-G-A. GRCh37 (hg19) VCF-style: chr10-73581640-G-A.
Other names: c.911C>T, p.Pro304Leu (NM_001042465.3); c.908C>T, p.Pro303Leu (NM_001042466.3); c.902C>T (NM_002778.2); short protein forms P301L, P303L, P304L.
Identifiers: ClinVar variation 1437872 (VCV001437872.5), dbSNP rs759402008, ClinGen allele CA5547580.

ClinVar aggregate classification (germline): Uncertain significance. Review status: criteria provided, multiple submitters, no conflicts (2 of 4 stars). 2 submissions from 2 submitters: Uncertain significance (2). Last evaluated 2024-12-02.

Conditions:
Sphingolipid activator protein 1 deficiency. Also called: METACHROMATIC LEUKODYSTROPHY DUE TO CEREBROSIDE SULFATASE ACTIVATOR DEFICIENCY; Metachromatic leukodystrophy due to saposin B deficiency; Saposin B Deficiency. Identifiers: Orphanet 512, MedGen C0268262, MONDO:0009590, OMIM 249900.
Inborn genetic diseases. Identifiers: MedGen C0950123, MeSH D030342.

Allele frequency attached by ClinVar (database versions not stated): ExAC 0.00002; gnomAD exomes 0.00002; gnomAD 0.00012 and 0.00014; TOPMed 0.00015.
gnomAD v4.1: 44 of 1,614,038 alleles (0.0027%); highest among the groups gnomAD compares: African/African-American, 0.056%; no homozygotes.

Submissions (2):

Labcorp Genetics (formerly Invitae), Labcorp
Classification: Uncertain significance for Sphingolipid activator protein 1 deficiency. Last evaluated: 2024-12-02. Review status: criteria provided, single submitter. Criteria: Invitae Variant Classification Sherloc (09022015). Collection method: clinical testing. Allele origin: germline.
Comment: This sequence change replaces proline, which is neutral and non-polar, with leucine, which is neutral and non-polar, at codon 301 of the PSAP protein (p.Pro301Leu). This variant is present in population databases (rs759402008, gnomAD 0.04%). This variant has not been reported in the literature in individuals affected with PSAP-related conditions. ClinVar contains an entry for this variant (Variation ID: 1437872). Invitae Evidence Modeling of protein sequence and biophysical properties (such as structural, functional, and spatial information, amino acid conservation, physicochemical variation, residue mobility, and thermodynamic stability) has been performed for this missense variant. However, the output from this modeling did not meet the statistical confidence thresholds required to predict the impact of this variant on PSAP protein function. In summary, the available evidence is currently insufficient to determine the role of this variant in disease. Therefore, it has been classified as a Variant of Uncertain Significance.

Ambry Genetics
Classification: Uncertain significance for Inborn genetic diseases. Last evaluated: 2021-08-09. Review status: criteria provided, single submitter. Criteria: Ambry Variant Classification Scheme 2023. Collection method: clinical testing. Allele origin: germline.